The following is an entry in ClinVar:

ClinVar aggregate classification (germline): Uncertain significance (1 of 4 stars; one submission).

Conditions:
Distal myopathy with posterior leg and anterior hand involvement. Also called: WILLIAMS DISTAL MYOPATHY. Identifiers: Orphanet 63273, MedGen C3279722, MONDO:0013550, OMIM 614065.

Submission:

Neuberg Centre For Genomic Medicine, NCGM
Classification: Uncertain significance for Distal myopathy with posterior leg and anterior hand involvement. Review status: criteria provided, single submitter. Criteria: ACMG Guidelines, 2015. Collection method: clinical testing. Allele origin: germline. Inheritance: Autosomal dominant inheritance. Affected: yes.
Comment: The stop gained c.8049C>G (p.Tyr2683Ter) variant has not been reported previously as a pathogenic variant nor as a benign variant, to our knowledge. The p.Tyr2683Ter variant is novel (not in any individuals) in gnomAD Exomes and is novel (not in any individuals) in 1000 Genomes. This variant has not been reported to the ClinVar database. Loss of function variants have been previously reported to be disease causing in association with different FLNC phenotypes. However since this variant is present in the last exon functional studies will be required to prove protein truncation. Hence the variant is classified as Uncertain Significance (VUS).

NM_001458.5(FLNC):c.8049C>G (p.Tyr2683Ter)

Genes: FLNC (filamin C; plus strand), FLNC-AS1 (FLNC antisense RNA 1; minus strand). Cytogenetic location: 7q32.1.
Variant type: single nucleotide variant.
Coding change: c.8049C>G on transcript NM_001458.5 (MANE Select); coding-DNA position 8049, C replaced by G.
Protein change: p.Tyr2683Ter; replaces tyrosine 2683 with a stop codon.
Molecular consequence: nonsense.
Genome position (GRCh38, 1-based): chr7:128,858,394, C>G. VCF-style: chr7-128858394-C-G. GRCh37 (hg19) VCF-style: chr7-128498448-C-G.
Other names: c.7950C>G, p.Tyr2650Ter (NM_001127487.2); short protein forms Y2650*, Y2683*.
Identifiers: ClinVar variation 2584893 (VCV002584893.1), dbSNP rs183104951, ClinGen allele CA369221417.
Genomic context (GRCh38, chr7:128,858,394, plus strand): 5'-AGGCACCAACATGATGATGGTGGGCGTGCACGGCCCCAAGACCCCCTGTGAGGAGGTGTA[C>G]GTGAAGCACATGGGGAACCGGGTGTACAATGTCACCTACACTGTCAAGGAGAAAGGGGAC-3'